The following is an entry in ClinVar:

NM_181552.4(CUX1):c.3815_3884dup (p.Tyr1295Ter)

Gene: CUX1 (cut like homeobox 1; plus strand). Cytogenetic location: 7q22.1.
Variant type: Duplication.
Coding change: c.3815_3884dup on transcript NM_181552.4 (MANE Select); coding-DNA positions 3815 to 3884, 70 bases duplicated.
Protein change: p.Tyr1295Ter; replaces tyrosine 1295 with a stop codon.
Molecular consequence: nonsense. On other transcripts: intron variant (5).
Genome position (GRCh38, 1-based): chr7:102,239,512-102,239,581, 70 bases duplicated. GRCh37 (hg19): chr7:101,882,792-101,882,861.
Other names: c.3848_3917dup, p.Tyr1306Ter (NM_001202543.2); c.1256-33854_1256-33785dup (NM_001913.5); c.1250-33854_1250-33785dup (NM_181500.4); c.1118-33854_1118-33785dup (NM_001202545.3); c.1208-33854_1208-33785dup (NM_001202544.3); c.1139-33854_1139-33785dup (NM_001202546.3); short protein forms Y1295*, Y1306*.
Identifiers: ClinVar variation 2692554 (VCV002692554.1), dbSNP rs2486192113, ClinGen allele CA2697557479.

ClinVar aggregate classification (germline): Likely pathogenic (1 of 4 stars; one submission).

Conditions:
Global developmental delay with or without impaired intellectual development. Identifiers: MedGen C5193032, MONDO:0032680, OMIM 618330.

Submission:

Greenwood Genetic Center Diagnostic Laboratories, Greenwood Genetic Center
Classification: Likely pathogenic for Global developmental delay with or without impaired intellectual development. Last evaluated: 2023-10-02. Review status: criteria provided, single submitter. Criteria: ACMG Guidelines, 2015. Collection method: clinical testing. Allele origin: germline. Affected: yes.
Comment: PS2, PM2